The following is an entry in ClinVar:

NM_004006.3(DMD):c.8917G>T (p.Asp2973Tyr)

Gene: DMD (dystrophin; minus strand). Cytogenetic location: Xp21.2.
Variant type: single nucleotide variant.
Coding change: c.8917G>T on transcript NM_004006.3 (MANE Select); coding-DNA position 8917, G replaced by T.
Protein change: p.Asp2973Tyr; replaces aspartic acid 2973 with tyrosine.
Molecular consequence: missense variant.
Genome position (GRCh38, 1-based): chrX:31,478,126, C>A on the plus strand (G>T on the coding strand, the complement: DMD is on the minus strand). VCF-style: chrX-31478126-C-A. GRCh37 (hg19) VCF-style: chrX-31496243-C-A.
Other names: c.8893G>T, p.Asp2965Tyr (NM_000109.4); c.8905G>T, p.Asp2969Tyr (NM_004009.3); c.8548G>T, p.Asp2850Tyr (NM_004010.3); c.4894G>T, p.Asp1632Tyr (NM_004011.4); c.4885G>T, p.Asp1629Tyr (NM_004012.4); c.1537G>T, p.Asp513Tyr (NM_004013.3, NM_004020.4, NM_004021.3 and 2 more transcripts); c.730G>T, p.Asp244Tyr (NM_004014.3); short protein forms D513Y, D1629Y, D2965Y, D1632Y, D2850Y, D2969Y, D2973Y, D244Y.
Identifiers: ClinVar variation 3715913 (VCV003715913.2).

ClinVar aggregate classification (germline): Uncertain significance (1 of 4 stars; one submission).

Conditions:
Duchenne muscular dystrophy (DMD). Also called: Duchenne Muscular Dystrophy (DMD); MUSCULAR DYSTROPHY, PSEUDOHYPERTROPHIC PROGRESSIVE, DUCHENNE TYPE. Identifiers: Orphanet 98896, MedGen C0013264, MONDO:0010679, OMIM 310200.

gnomAD v4.1: 4 of 1,210,877 alleles (0.00033%); highest among the groups gnomAD compares: Non-Finnish European, 0.00045%; no homozygotes.

Submission:

Labcorp Genetics (formerly Invitae), Labcorp
Classification: Uncertain significance for Duchenne muscular dystrophy. Last evaluated: 2024-08-13. Review status: criteria provided, single submitter. Criteria: Invitae Variant Classification Sherloc (09022015). Collection method: clinical testing. Allele origin: germline.
Comment: This sequence change replaces aspartic acid, which is acidic and polar, with tyrosine, which is neutral and polar, at codon 2973 of the DMD protein (p.Asp2973Tyr). This variant is not present in population databases (gnomAD no frequency). This variant has not been reported in the literature in individuals affected with DMD-related conditions. Advanced modeling of protein sequence and biophysical properties (such as structural, functional, and spatial information, amino acid conservation, physicochemical variation, residue mobility, and thermodynamic stability) performed at Invitae indicates that this missense variant is not expected to disrupt DMD protein function with a negative predictive value of 95%. In summary, the available evidence is currently insufficient to determine the role of this variant in disease. Therefore, it has been classified as a Variant of Uncertain Significance.